The following is an entry in ClinVar:

NM_213599.3(ANO5):c.1649A>G (p.Gln550Arg)

Gene: ANO5 (anoctamin 5; plus strand). Cytogenetic location: 11p14.3.
Variant type: single nucleotide variant.
Coding change: c.1649A>G on transcript NM_213599.3 (MANE Select); coding-DNA position 1649, A replaced by G.
Protein change: p.Gln550Arg; replaces glutamine 550 with arginine.
Molecular consequence: missense variant.
Genome position (GRCh38, 1-based): chr11:22,262,147, A>G. VCF-style: chr11-22262147-A-G. GRCh37 (hg19) VCF-style: chr11-22283693-A-G.
Other names: c.1646A>G, p.Gln549Arg (NM_001142649.2); c.1607A>G, p.Gln536Arg (NM_001410963.1); c.1604A>G, p.Gln535Arg (NM_001410964.1); short protein forms Q536R, Q549R, Q535R, Q550R.
Identifiers: ClinVar variation 2951195 (VCV002951195.3), dbSNP rs2494318171, ClinGen allele CA379922505.

ClinVar aggregate classification (germline): Uncertain significance (1 of 4 stars; one submission).

Conditions:
Gnathodiaphyseal dysplasia (GDD). Also called: GNATHODIAPHYSEAL SCLEROSIS; OSTEOGENESIS IMPERFECTA WITH UNUSUAL SKELETAL LESIONS. Identifiers: Orphanet 53697, MedGen C1833736, MONDO:0008151, OMIM 166260.
Autosomal recessive limb-girdle muscular dystrophy type 2L (LGMDR12). Also called: MUSCULAR DYSTROPHY, LIMB-GIRDLE, AUTOSOMAL RECESSIVE 12; Limb-girdle muscular dystrophy, type 2L; Limb-Girdle Muscular Dystrophy R12 Anoctamin-5-Related (LGMD-R12). Identifiers: Orphanet 206549, MedGen C1969785, MONDO:0012652, OMIM 611307.

Allele frequency attached by ClinVar (database versions not stated): gnomAD exomes below 0.00001.
gnomAD v4.1: 1 of 1,613,890 alleles (0.000062%); highest among the groups gnomAD compares: Middle Eastern, 0.017%; no homozygotes.

Submission:

Labcorp Genetics (formerly Invitae), Labcorp
Classification: Uncertain significance for Autosomal recessive limb-girdle muscular dystrophy type 2L; Gnathodiaphyseal dysplasia. Last evaluated: 2023-08-22. Review status: criteria provided, single submitter. Criteria: Invitae Variant Classification Sherloc (09022015). Collection method: clinical testing. Allele origin: germline.
Comment: In summary, the available evidence is currently insufficient to determine the role of this variant in disease. Therefore, it has been classified as a Variant of Uncertain Significance. Advanced modeling of protein sequence and biophysical properties (such as structural, functional, and spatial information, amino acid conservation, physicochemical variation, residue mobility, and thermodynamic stability) has been performed at Invitae for this missense variant, however the output from this modeling did not meet the statistical confidence thresholds required to predict the impact of this variant on ANO5 protein function. This variant has not been reported in the literature in individuals affected with ANO5-related conditions. This variant is not present in population databases (gnomAD no frequency). This sequence change replaces glutamine, which is neutral and polar, with arginine, which is basic and polar, at codon 550 of the ANO5 protein (p.Gln550Arg).